The following is an entry in ClinVar:

NM_004984.4(KIF5A):c.2803C>T (p.Pro935Ser)

Gene: KIF5A (kinesin family member 5A; plus strand). Cytogenetic location: 12q13.3.
Variant type: single nucleotide variant.
Coding change: c.2803C>T on transcript NM_004984.4 (MANE Select); coding-DNA position 2803, C replaced by T.
Protein change: p.Pro935Ser; replaces proline 935 with serine.
Molecular consequence: missense variant.
Genome position (GRCh38, 1-based): chr12:57,581,462, C>T. VCF-style: chr12-57581462-C-T. GRCh37 (hg19) VCF-style: chr12-57975245-C-T.
Other names: c.2536C>T, p.Pro846Ser (NM_001354705.2); short protein forms P935S, P846S.
Identifiers: ClinVar variation 426854 (VCV000426854.41), dbSNP rs764612223, ClinGen allele CA6653218.

ClinVar aggregate classification (germline): Conflicting classifications of pathogenicity. Review status: criteria provided, conflicting classifications (1 of 4 stars). 5 submissions from 5 submitters: Uncertain significance (3); Likely benign (1). 1 of the submissions does not count toward it. Last evaluated 2026-01-13.

Conditions:
Spastic paraplegia. Identifiers: MedGen C0037772, HP:0001258.
KIF5A-related disorder. Also called: KIF5A-related condition; KIF5A-related disorders.

Allele frequency attached by ClinVar (database versions not stated): ExAC 0.00001; gnomAD exomes 0.00002; gnomAD 0.00004.
gnomAD v4.1: 28 of 1,613,956 alleles (0.0017%); highest among the groups gnomAD compares: Non-Finnish European, 0.0023%; no homozygotes.

Submissions (5):

Labcorp Genetics (formerly Invitae), Labcorp
Classification: Likely benign for Spastic paraplegia. Last evaluated: 2026-01-13. Review status: criteria provided, single submitter. Criteria: Invitae Variant Classification Sherloc (09022015). Collection method: clinical testing. Allele origin: germline.

CeGaT Center for Human Genetics Tuebingen
Classification: Uncertain significance. Last evaluated: 2022-05-01. Review status: criteria provided, single submitter. Criteria: CeGaT Center For Human Genetics Tuebingen Variant Classification Criteria Version 2. Collection method: clinical testing. Allele origin: germline. Affected: yes. Observed: 2 variant alleles.
Comment: KIF5A: PM2, BP4

Institute for Clinical Genetics, University Hospital TU Dresden, University Hospital TU Dresden
Classification: Uncertain significance. Last evaluated: 2021-11-03. Review status: criteria provided, single submitter. Criteria: ACMG Guidelines, 2015. Collection method: clinical testing. Allele origin: germline.

GeneDx
Classification: Uncertain significance. Last evaluated: 2017-03-30. Review status: criteria provided, single submitter. Criteria: GeneDx Variant Classification (06012015). Collection method: clinical testing. Allele origin: germline. Affected: yes.
Comment: A variant of uncertain significance has been identified in the KIF5A gene. The P935S variant has not been published as a pathogenic variant, nor has it been reported as a benign variant to our knowledge. The P935S variant is not observed at a significant frequency in large population cohorts (Lek et al., 2016; 1000 Genomes Consortium et al., 2015; Exome Variant Server). The P935S variant is a non-conservative amino acid substitution, which is likely to impact secondary protein structure as these residues differ in polarity, charge, size and/or other properties. This substitution occurs at a position that is conserved in mammals. However, in silico analysis is inconsistent in its predictions as to whether or not the variant is damaging to the protein structure/function. Therefore, based on the currently available information, it is unclear whether this variant is a pathogenic variant or a rare benign variant.

PreventionGenetics, part of Exact Sciences
Classification: Uncertain significance for KIF5A-related condition. Last evaluated: 2024-06-10. Review status: no assertion criteria provided. Collection method: clinical testing. Allele origin: germline. Not counted in ClinVar's aggregate classification.
Comment: The KIF5A c.2803C>T variant is predicted to result in the amino acid substitution p.Pro935Ser. To our knowledge, this variant has not been reported in the literature. This variant is reported in 0.0035% of alleles in individuals of European (Non-Finnish) descent in gnomAD. At this time, the clinical significance of this variant is uncertain due to the absence of conclusive functional and genetic evidence.